The following is an entry in ClinVar:

ClinVar aggregate classification (germline): Conflicting classifications of pathogenicity. Review status: criteria provided, conflicting classifications (1 of 4 stars). 6 submissions from 6 submitters: Uncertain significance (5); Likely benign (1). Last evaluated 2026-05-12.

Conditions:
Endometrial carcinoma. Also called: Endometrial carcinoma, somatic. Identifiers: MedGen C0476089, MONDO:0002447, OMIM 608089, HP:0012114.
Hereditary nonpolyposis colorectal neoplasms. Identifiers: MedGen C0009405, MeSH D003123.
Hereditary cancer-predisposing syndrome. Also called: Hereditary Cancer Syndrome; Hereditary neoplastic syndrome; Neoplastic Syndromes, Hereditary; Tumor predisposition. Identifiers: Orphanet 140162, MedGen C0027672, MeSH D009386, MONDO:0015356.
Lynch syndrome. Identifiers: Orphanet 144, MedGen C4552100, MONDO:0005835. Disease mechanism: loss of function.
Hereditary breast ovarian cancer syndrome. Also called: BRCA1- and BRCA2-Associated Hereditary Breast and Ovarian Cancer; Hereditary breast and ovarian cancer syndrome; Hereditary breast and ovarian cancer syndrome (HBOC); Hereditary breast and ovarian cancer; Breast and ovarian cancer; Hereditary breast and/or ovarian cancer syndrome. Identifiers: Orphanet 145, MedGen C0677776, MeSH D061325, MONDO:0003582. Disease mechanism: loss of function.

Allele frequency attached by ClinVar (database versions not stated): ExAC 0.00001; gnomAD exomes 0.00001; TOPMed 0.00001.
gnomAD v4.1: 3 of 1,613,852 alleles (0.00019%); highest among the groups gnomAD compares: Non-Finnish European, 0.00025%; no homozygotes.

Submissions (6):

German Consortium for Hereditary Breast and Ovarian Cancer, University Hospital Cologne
Classification: Uncertain significance for Hereditary breast ovarian cancer syndrome. Last evaluated: 2026-05-12. Review status: criteria provided, single submitter. Criteria: ClinGen MSH6 V2.0.0. Collection method: curation. Allele origin: germline.
Comment: This classification follows the ClinGen InSiGHT ACMG MSH6 v2.0.0 classification scheme; We chose these criteria: PM2 (supporting pathogenic): AF PopMax= 6.800e-7, PP3 (medium pathogenic): HCI prior: 0.90 >> >0,81

Labcorp Genetics (formerly Invitae), Labcorp
Classification: Likely benign for Hereditary nonpolyposis colorectal neoplasms. Last evaluated: 2025-10-29. Review status: criteria provided, single submitter. Criteria: Invitae Variant Classification Sherloc (09022015). Collection method: clinical testing. Allele origin: germline.

Ambry Genetics
Classification: Uncertain significance for Hereditary cancer-predisposing syndrome. Last evaluated: 2025-07-14. Review status: criteria provided, single submitter. Criteria: Ambry Variant Classification Scheme 2023. Collection method: clinical testing. Allele origin: germline.
Comment: The p.P1295L variant (also known as c.3884C>T), located in coding exon 9 of the MSH6 gene, results from a C to T substitution at nucleotide position 3884. The proline at codon 1295 is replaced by leucine, an amino acid with similar properties. This variant has been reported in 1/1120 pediatric cancer patients who underwent whole genome sequencing and/or whole exome sequencing; this/these patient(s) was/were diagnosed with ALL (Zhang J et al. N Engl J Med, 2015 Dec;373:2336-2346). This amino acid position is highly conserved in available vertebrate species. In addition, this alteration is predicted to be deleterious by in silico analysis. Since supporting evidence is limited at this time, the clinical significance of this alteration remains unclear.

All of Us Research Program, National Institutes of Health
Classification: Uncertain significance for Lynch syndrome. Last evaluated: 2023-09-04. Review status: criteria provided, single submitter. Criteria: ACMG Guidelines, 2015. Collection method: clinical testing. Allele origin: germline. Inheritance: Autosomal dominant inheritance. Observed: 2 variant alleles, 2 heterozygotes.
Comment: This missense variant replaces proline with leucine at codon 1295 of the MSH6 protein. Computational prediction suggests that this variant may have deleterious impact on protein structure and function (internally defined REVEL score threshold >= 0.7, PMID: 27666373). To our knowledge, functional studies have not been reported for this variant. This variant has not been reported in individuals affected with MSH6-related disorders in the literature. This variant has been identified in 2/250656 chromosomes in the general population by the Genome Aggregation Database (gnomAD). The available evidence is insufficient to determine the role of this variant in disease conclusively. Therefore, this variant is classified as a Variant of Uncertain Significance.

This study involves interpretation of variants in research participants for the purpose of population health screening. Participant phenotype was not available at the time of variant classification. Additional details can be found in publication PMID: 35346344, PMCID: PMC8962531

Baylor Genetics
Classification: Uncertain significance for Endometrial carcinoma. Last evaluated: 2023-07-10. Review status: criteria provided, single submitter. Criteria: ACMG Guidelines, 2015. Collection method: clinical testing. Allele origin: unknown.

Color Diagnostics, LLC DBA Color Health
Classification: Uncertain significance for Hereditary cancer-predisposing syndrome. Last evaluated: 2023-05-04. Review status: criteria provided, single submitter. Criteria: ACMG Guidelines, 2015. Collection method: clinical testing. Allele origin: germline.
Comment: This missense variant replaces proline with leucine at codon 1295 of the MSH6 protein. Computational prediction suggests that this variant may have deleterious impact on protein structure and function (internally defined REVEL score threshold >= 0.7, PMID: 27666373). To our knowledge, functional studies have not been reported for this variant. This variant has not been reported in individuals affected with MSH6-related disorders in the literature. This variant has been identified in 2/250656 chromosomes in the general population by the Genome Aggregation Database (gnomAD). The available evidence is insufficient to determine the role of this variant in disease conclusively. Therefore, this variant is classified as a Variant of Uncertain Significance.

Literature cited by the submitters: PubMed 26580448 (cited by Ambry Genetics).

NM_000179.3(MSH6):c.3884C>T (p.Pro1295Leu)

Gene: MSH6 (mutS homolog 6; plus strand). Cytogenetic location: 2p16.3.
Variant type: single nucleotide variant.
Coding change: c.3884C>T on transcript NM_000179.3 (MANE Select); coding-DNA position 3884, C replaced by T.
Protein change: p.Pro1295Leu; replaces proline 1295 with leucine.
Molecular consequence: missense variant.
Genome position (GRCh38, 1-based): chr2:47,806,534, C>T. VCF-style: chr2-47806534-C-T. GRCh37 (hg19) VCF-style: chr2-48033673-C-T.
Other names: c.3494C>T, p.Pro1165Leu (NM_001281492.2); c.2978C>T, p.Pro993Leu (NM_001281493.2, NM_001281494.2); short protein forms P1295L, P1165L, P993L.
Identifiers: ClinVar variation 490012 (VCV000490012.24), dbSNP rs758181932, ClinGen allele CA072254.
Genomic context (GRCh38, chr2:47,806,534, plus strand): 5'-GTGAAGACCCCAGCCAGGAGACTATTACGTTCCTCTATAAATTCATTAAGGGAGCTTGTC[C>T]TAAAAGCTATGGCTTTAATGCAGCAAGGCTTGCTAATCTCCCAGAGGAAGTTATTCAAAA-3'
Protein context (NP_000170.1, residues 1285-1305): FLYKFIKGAC[Pro1295Leu]KSYGFNAARL